The following is an entry in ClinVar:

ClinVar aggregate classification (germline): Uncertain significance (1 of 4 stars; one submission).

Conditions:
Inborn genetic diseases. Identifiers: MedGen C0950123, MeSH D030342.

gnomAD v4.1: 1 of 1,614,032 alleles (0.000062%); highest among the groups gnomAD compares: Non-Finnish European, 0.000085%; no homozygotes.

Submission:

Ambry Genetics
Classification: Uncertain significance for Inborn genetic diseases. Last evaluated: 2024-11-26. Review status: criteria provided, single submitter. Criteria: Ambry Variant Classification Scheme 2023. Collection method: clinical testing. Allele origin: germline.
Comment: The p.V985D variant (also known as c.2954T>A), located in coding exon 30 of the FANCA gene, results from a T to A substitution at nucleotide position 2954. The valine at codon 985 is replaced by aspartic acid, an amino acid with highly dissimilar properties. This amino acid position is conserved. In addition, this alteration is predicted to be deleterious by in silico analysis. Based on the available evidence, the clinical significance of this variant remains unclear.

NM_000135.4(FANCA):c.2954T>A (p.Val985Asp)

Gene: FANCA (FA complementation group A; minus strand). Cytogenetic location: 16q24.3.
Variant type: single nucleotide variant.
Coding change: c.2954T>A on transcript NM_000135.4 (MANE Select); coding-DNA position 2954, T replaced by A.
Protein change: p.Val985Asp; replaces valine 985 with aspartic acid.
Molecular consequence: missense variant.
Genome position (GRCh38, 1-based): chr16:89,758,604, A>T on the plus strand (T>A on the coding strand, the complement: FANCA is on the minus strand). VCF-style: chr16-89758604-A-T. GRCh37 (hg19) VCF-style: chr16-89825012-A-T.
Other names: c.2954T>A, p.Val985Asp (NM_001286167.3); short protein forms V985D.
Identifiers: ClinVar variation 3512678 (VCV003512678.1).